The following is an entry in ClinVar:

ClinVar aggregate classification (germline): Pathogenic (1 of 4 stars; one submission).

Conditions:
Neurodevelopmental disorder with or without early-onset generalized epilepsy. Identifiers: MedGen C5436914, MONDO:0030930, OMIM 619157.

Submission:

Gansu Provincial Maternity and Child Care Hospital
Classification: Pathogenic for Neurodevelopmental disorder with or without early-onset generalized epilepsy. Last evaluated: 2026-06-02. Review status: criteria provided, single submitter. Criteria: ACMG Guidelines, 2015. Collection method: clinical testing. Allele origin: de novo. Inheritance: Autosomal dominant inheritance. Affected: yes.
Comment: The c.1537C>T variant is a nonsense variant (PVS1). Parental verification confirmed it as a de novo variant (PS2). This site is not recorded in the gnomAD database (PM2_supporting).This variant is classified as pathogenic.

NM_001385012.1(NBEA):c.1537C>T (p.Gln513Ter)

Gene: NBEA (neurobeachin; plus strand). Cytogenetic location: 13q13.3.
Variant type: single nucleotide variant.
Coding change: c.1537C>T on transcript NM_001385012.1 (MANE Select); coding-DNA position 1537, C replaced by T.
Protein change: p.Gln513Ter; replaces glutamine 513 with a stop codon.
Molecular consequence: nonsense.
Genome position (GRCh38, 1-based): chr13:35,070,818, C>T. VCF-style: chr13-35070818-C-T. GRCh37 (hg19) VCF-style: chr13-35644955-C-T.
Other names: c.1537C>T, p.Gln513Ter (NM_001379245.1, NM_015678.5); short protein forms Q513*.
Identifiers: ClinVar variation 4856402 (VCV004856402.1).